The following is an entry in ClinVar:

ClinVar aggregate classification (germline): Pathogenic. Review status: criteria provided, multiple submitters, no conflicts (2 of 4 stars). 3 submissions from 3 submitters: Pathogenic (3). Last evaluated 2024-09-10.

Conditions:
Hereditary cancer-predisposing syndrome. Also called: Tumor predisposition; Hereditary neoplastic syndrome; Neoplastic Syndromes, Hereditary; Hereditary Cancer Syndrome. Identifiers: Orphanet 140162, MedGen C0027672, MeSH D009386, MONDO:0015356.
Familial cancer of breast. Also called: Hereditary breast cancer; BREAST CANCER, FAMILIAL; hereditary breast carcinoma. Identifiers: Orphanet 227535, MedGen C0346153, MONDO:0016419, OMIM 114480. Disease mechanism: loss of function.
Ataxia-telangiectasia syndrome (AT). Also called: Ataxia-telangiectasia, complementation group D; AT, COMPLEMENTATION GROUP C; ATAXIA-TELANGIECTASIA, COMPLEMENTATION GROUP A; ATAXIA-TELANGIECTASIA, FRESNO VARIANT; Ataxia-telangiectasia; LOUIS-BAR SYNDROME. Identifiers: Orphanet 100, MedGen C0004135, MONDO:0008840, OMIM 208900.

Allele frequency attached by ClinVar (database versions not stated): gnomAD exomes below 0.00001.
gnomAD v4.1: 4 of 1,613,812 alleles (0.00025%); highest among the groups gnomAD compares: Non-Finnish European, 0.00034%; no homozygotes.

Submissions (3):

Labcorp Genetics (formerly Invitae), Labcorp
Classification: Pathogenic for Ataxia-telangiectasia syndrome. Last evaluated: 2024-09-10. Review status: criteria provided, single submitter. Criteria: Invitae Variant Classification Sherloc (09022015). Collection method: clinical testing. Allele origin: germline.
Comment: This sequence change creates a premature translational stop signal (p.Gln2942*) in the ATM gene. It is expected to result in an absent or disrupted protein product. Loss-of-function variants in ATM are known to be pathogenic (PMID: 23807571, 25614872). This variant is not present in population databases (gnomAD no frequency). This premature translational stop signal has been observed in individual(s) with ataxia telangiectasia (PMID: 26439923). In at least one individual the data is consistent with being in trans (on the opposite chromosome) from a pathogenic variant. ClinVar contains an entry for this variant (Variation ID: 655895). Algorithms developed to predict the effect of sequence changes on RNA splicing suggest that this variant may disrupt the consensus splice site. For these reasons, this variant has been classified as Pathogenic.

Baylor Genetics
Classification: Pathogenic for Familial cancer of breast. Last evaluated: 2024-03-11. Review status: criteria provided, single submitter. Criteria: ACMG Guidelines, 2015. Collection method: clinical testing. Allele origin: unknown.

Ambry Genetics
Classification: Pathogenic for Hereditary cancer-predisposing syndrome. Last evaluated: 2019-07-29. Review status: criteria provided, single submitter. Criteria: Ambry Variant Classification Scheme 2023. Collection method: clinical testing. Allele origin: germline.
Comment: The p.Q2942* pathogenic mutation (also known as c.8824C>T), located in coding exon 60 of the ATM gene, results from a C to T substitution at nucleotide position 8824. This changes the amino acid from a glutamine to a stop codon within coding exon 60. This mutation has been detected with a protein-truncating mutation in trans in an individual with Ataxia Telangiectasia (Chen et al. PLoS ONE 2015 Oct;10(10):e0139738). In addition to the clinical data presented in the literature, this alteration is expected to result in loss of function by premature protein truncation or nonsense-mediated mRNA decay. As such, this alteration is interpreted as a disease-causing mutation.

Literature cited by the submitters: PubMed 23807571 (cited by Labcorp Genetics (formerly Invitae), Labcorp); PubMed 25614872 (cited by Labcorp Genetics (formerly Invitae), Labcorp); PubMed 26439923 (cited by Labcorp Genetics (formerly Invitae), Labcorp).

NM_000051.4(ATM):c.8824C>T (p.Gln2942Ter)

Genes: ATM (ATM serine/threonine kinase; plus strand), C11orf65 (chromosome 11 open reading frame 65; minus strand). Cytogenetic location: 11q22.3.
Variant type: single nucleotide variant.
Coding change: c.8824C>T on transcript NM_000051.4 (MANE Select); coding-DNA position 8824, C replaced by T.
Protein change: p.Gln2942Ter; replaces glutamine 2942 with a stop codon.
Molecular consequence: nonsense. On other transcripts: intron variant (2).
Genome position (GRCh38, 1-based): chr11:108,354,848, C>T. VCF-style: chr11-108354848-C-T. GRCh37 (hg19) VCF-style: chr11-108225575-C-T.
Other names: c.8824C>T, p.Gln2942Ter (NM_001351834.2); c.640+31072G>A (NM_001330368.2); c.695-19556G>A (NM_001351110.2); short protein forms Q2942*.
Identifiers: ClinVar variation 655895 (VCV000655895.12), dbSNP rs1591314316, ClinGen allele CA382525913.
Genomic context (GRCh38, chr11:108,354,848, plus strand): 5'-ATTTATAATGTGTTTGACTCTAGATGCTGTGAGAAAACCATGGAAGTGATGAGAAACTCT[C>T]AGGAAACTCTGTTAACCATTGTAGAGGTAAAGTATTTTATAAGGAAGACTTTATTTTTTT-3'